The following is an entry in ClinVar:

NM_024741.3(ZNF408):c.1285G>C (p.Val429Leu)

Gene: ZNF408 (zinc finger protein 408; plus strand). Cytogenetic location: 11p11.2.
Variant type: single nucleotide variant.
Coding change: c.1285G>C on transcript NM_024741.3 (MANE Select); coding-DNA position 1285, G replaced by C.
Protein change: p.Val429Leu; replaces valine 429 with leucine.
Molecular consequence: missense variant.
Genome position (GRCh38, 1-based): chr11:46,704,985, G>C. VCF-style: chr11-46704985-G-C. GRCh37 (hg19) VCF-style: chr11-46726535-G-C.
Other names: c.1261G>C, p.Val421Leu (NM_001184751.2); short protein forms V429L, V421L.
Identifiers: ClinVar variation 4772469 (VCV004772469.1).

ClinVar aggregate classification (germline): Uncertain significance (1 of 4 stars; one submission).

Submission:

Labcorp Genetics (formerly Invitae), Labcorp
Classification: Uncertain significance. Last evaluated: 2025-03-10. Review status: criteria provided, single submitter. Criteria: Invitae Variant Classification Sherloc (09022015). Collection method: clinical testing. Allele origin: germline.
Comment: This sequence change replaces valine, which is neutral and non-polar, with leucine, which is neutral and non-polar, at codon 429 of the ZNF408 protein (p.Val429Leu). This variant is not present in population databases (gnomAD no frequency). This variant has not been reported in the literature in individuals affected with ZNF408-related conditions. An algorithm developed to predict the effect of missense changes on protein structure and function (PolyPhen-2) suggests that this variant is likely to be disruptive. In summary, the available evidence is currently insufficient to determine the role of this variant in disease. Therefore, it has been classified as a Variant of Uncertain Significance.